The following is an entry in ClinVar:

NC_000006.11:g.(?_129712616)_(129794517_?)del

Gene: LAMA2 (laminin subunit alpha 2; plus strand). Cytogenetic location: 6q22.33.
Variant type: Deletion.
Identifiers: ClinVar variation 1457505 (VCV001457505.5).

ClinVar aggregate classification (germline): Pathogenic (1 of 4 stars; one submission).

Conditions:
LAMA2-related muscular dystrophy (LAMA2-RD). Also called: Laminin alpha 2-related dystrophy. Identifiers: MedGen C5679788, MONDO:0100228.

Submission:

Labcorp Genetics (formerly Invitae), Labcorp
Classification: Pathogenic for LAMA2-related muscular dystrophy. Last evaluated: 2021-08-02. Review status: criteria provided, single submitter. Criteria: Invitae Variant Classification Sherloc (09022015). Collection method: clinical testing. Allele origin: germline.
Comment: For these reasons, this variant has been classified as Pathogenic. This variant has not been reported in the literature in individuals affected with LAMA2-related conditions. This variant is a gross deletion of the genomic region encompassing exon(s) 36-52 of the LAMA2 gene. This deletion is out-of-frame, and is expected to create a premature translational stop signal and result in an absent or disrupted protein product. Loss-of-function variants in LAMA2 are known to be pathogenic (PMID: 18700894).

Literature cited by the submitters: PubMed 18700894.